The following is an entry in ClinVar:

ClinVar aggregate classification (germline): Uncertain significance. Review status: criteria provided, multiple submitters, no conflicts (2 of 4 stars). 3 submissions from 3 submitters: Uncertain significance (3). Last evaluated 2022-10-24.

Allele frequency attached by ClinVar (database versions not stated): gnomAD 0.00003 and 0.00004; ExAC 0.00013; TOPMed 0.00005; gnomAD exomes 0.00011.
gnomAD v4.1: 81 of 1,613,846 alleles (0.005%); highest among the groups gnomAD compares: Admixed American, 0.047%; no homozygotes.

Submissions (3):

Labcorp Genetics (formerly Invitae), Labcorp
Classification: Uncertain significance. Last evaluated: 2022-10-24. Review status: criteria provided, single submitter. Criteria: Invitae Variant Classification Sherloc (09022015). Collection method: clinical testing. Allele origin: germline.
Comment: This sequence change replaces glycine, which is neutral and non-polar, with serine, which is neutral and polar, at codon 756 of the CNGB1 protein (p.Gly756Ser). This variant is present in population databases (rs398123605, gnomAD 0.05%). This variant has not been reported in the literature in individuals affected with CNGB1-related conditions. ClinVar contains an entry for this variant (Variation ID: 93699). Advanced modeling of protein sequence and biophysical properties (such as structural, functional, and spatial information, amino acid conservation, physicochemical variation, residue mobility, and thermodynamic stability) performed at Invitae indicates that this missense variant is not expected to disrupt CNGB1 protein function. Algorithms developed to predict the effect of sequence changes on RNA splicing suggest that this variant may disrupt the consensus splice site. In summary, the available evidence is currently insufficient to determine the role of this variant in disease. Therefore, it has been classified as a Variant of Uncertain Significance.

Blueprint Genetics
Classification: Uncertain significance. Last evaluated: 2022-03-17. Review status: criteria provided, single submitter. Criteria: ACMG Guidelines, 2015. Collection method: clinical testing. Allele origin: germline.

Eurofins Ntd Llc (ga)
Classification: Uncertain significance. Last evaluated: 2013-09-20. Review status: criteria provided, single submitter. Criteria: EGL Classification Definitions 2015. Collection method: clinical testing. Allele origin: germline. Observed: 1 variant allele, 1 heterozygote.

NM_001297.5(CNGB1):c.2266G>A (p.Gly756Ser)

Gene: CNGB1 (cyclic nucleotide gated channel subunit beta 1; minus strand). Cytogenetic location: 16q21.
Variant type: single nucleotide variant.
Coding change: c.2266G>A on transcript NM_001297.5 (MANE Select); coding-DNA position 2266, G replaced by A.
Protein change: p.Gly756Ser; replaces glycine 756 with serine.
Molecular consequence: missense variant.
Genome position (GRCh38, 1-based): chr16:57,915,287, C>T on the plus strand (G>A on the coding strand, the complement: CNGB1 is on the minus strand). VCF-style: chr16-57915287-C-T. GRCh37 (hg19) VCF-style: chr16-57949191-C-T.
Other names: c.2248G>A, p.Gly750Ser (NM_001286130.2); short protein forms G756S, G750S.
Identifiers: ClinVar variation 93699 (VCV000093699.14), dbSNP rs398123605, ClinGen allele CA221639.